The following is an entry in ClinVar:

ClinVar aggregate classification (germline): Uncertain significance (1 of 4 stars; one submission).

Conditions:
Ehlers-Danlos syndrome, type 4 (EDSVASC). Also called: Ehlers-Danlos syndrome vascular type; Ehlers Danlos syndrome, ecchymotic type; Ehlers Danlos syndrome, arterial type; Ehlers Danlos syndrome, Sack-Barabas type; Ehlers-Danlos Syndrome Type IV. Identifiers: Orphanet 286, MedGen C0268338, MONDO:0017314, OMIM 130050.

Submission:

Labcorp Genetics (formerly Invitae), Labcorp
Classification: Uncertain significance for Ehlers-Danlos syndrome, type 4. Last evaluated: 2024-11-21. Review status: criteria provided, single submitter. Criteria: Invitae Variant Classification Sherloc (09022015). Collection method: clinical testing. Allele origin: germline.
Comment: This sequence change replaces arginine, which is basic and polar, with glycine, which is neutral and non-polar, at codon 1260 of the COL3A1 protein (p.Arg1260Gly). This variant is not present in population databases (gnomAD no frequency). This variant has not been reported in the literature in individuals affected with COL3A1-related conditions. Invitae Evidence Modeling of protein sequence and biophysical properties (such as structural, functional, and spatial information, amino acid conservation, physicochemical variation, residue mobility, and thermodynamic stability) has been performed for this missense variant. However, the output from this modeling did not meet the statistical confidence thresholds required to predict the impact of this variant on COL3A1 protein function. In summary, the available evidence is currently insufficient to determine the role of this variant in disease. Therefore, it has been classified as a Variant of Uncertain Significance.

NM_000090.4(COL3A1):c.3778A>G (p.Arg1260Gly)

Gene: COL3A1 (collagen type III alpha 1 chain; plus strand). Cytogenetic location: 2q32.2.
Variant type: single nucleotide variant.
Coding change: c.3778A>G on transcript NM_000090.4 (MANE Select); coding-DNA position 3778, A replaced by G.
Protein change: p.Arg1260Gly; replaces arginine 1260 with glycine.
Molecular consequence: missense variant.
Genome position (GRCh38, 1-based): chr2:189,009,176, A>G. VCF-style: chr2-189009176-A-G. GRCh37 (hg19) VCF-style: chr2-189873902-A-G.
Other names: short protein forms R1260G.
Identifiers: ClinVar variation 3634108 (VCV003634108.2).
Genomic context (GRCh38, chr2:189,009,176, plus strand): 5'-TCTGTTAATGGACAAATAGAAAGCCTCATTAGTCCTGATGGTTCTCGTAAAAACCCCGCT[A>G]GAAACTGCAGAGACCTGAAATTCTGCCATCCTGAACTCAAGAGTGGTATGTTTGGTAGTC-3'
Protein context (NP_000081.2, residues 1250-1270): SPDGSRKNPA[Arg1260Gly]NCRDLKFCHP